The following is an entry in ClinVar:

NM_001005373.4(LRSAM1):c.2120C>T (p.Pro707Leu)

Gene: LRSAM1 (leucine rich repeat and sterile alpha motif containing 1; plus strand). Cytogenetic location: 9q34.11.
Variant type: single nucleotide variant.
Coding change: c.2120C>T on transcript NM_001005373.4 (MANE Select); coding-DNA position 2120, C replaced by T.
Protein change: p.Pro707Leu; replaces proline 707 with leucine.
Molecular consequence: missense variant. On other transcripts: non-coding transcript variant (2).
Genome position (GRCh38, 1-based): chr9:127,502,847, C>T. VCF-style: chr9-127502847-C-T. GRCh37 (hg19) VCF-style: chr9-130265126-C-T.
Other names: p.Pro707Leu; c.2120C>T, p.Pro707Leu (NM_001005374.4, NM_001384142.1, NM_138361.5); c.2039C>T, p.Pro680Leu (NM_001190723.3); c.2021C>T, p.Pro674Leu (NM_001384143.1); c.1331C>T, p.Pro444Leu (NM_001384144.1); short protein forms P707L, P680L, P444L, P674L.
Identifiers: ClinVar variation 208726 (VCV000208726.20), dbSNP rs797044913, ClinGen allele CA204767.

ClinVar aggregate classification (germline): Pathogenic/Likely pathogenic. Review status: criteria provided, multiple submitters, no conflicts (2 of 4 stars). 7 submissions from 7 submitters: Pathogenic (2); Likely pathogenic (4). 1 of the submissions does not count toward it. Last evaluated 2026-06-01.

Conditions:
Charcot-Marie-Tooth disease axonal type 2P. Also called: CHARCOT-MARIE-TOOTH DISEASE, AXONAL, TYPE 2G; CMT 2G; CHARCOT-MARIE-TOOTH NEUROPATHY, TYPE 2P; Charcot-Marie-Tooth Neuropathy Type 2G. Identifiers: Orphanet 300319, Orphanet 99941, MedGen C3280797, MONDO:0013753, OMIM 614436.
Charcot-Marie-Tooth disease. Also called: Charcot-Marie-Tooth Hereditary Neuropathy; Charcot-Marie-Tooth Neuropathy. Identifiers: Orphanet 166, MedGen C0007959, MONDO:0015626.
Inborn genetic diseases. Identifiers: MedGen C0950123, MeSH D030342.

Allele frequency attached by ClinVar (database versions not stated): gnomAD exomes below 0.00001; TOPMed below 0.00001.

Submissions (7):

CeGaT Center for Human Genetics Tuebingen
Classification: Likely pathogenic. Last evaluated: 2026-06-01. Review status: criteria provided, single submitter. Criteria: CeGaT Center For Human Genetics Tuebingen Variant Classification Criteria Version 2. Collection method: clinical testing. Allele origin: germline. Affected: yes. Observed: 1 variant allele.
Comment: LRSAM1: PS4, PM1, PM2:Supporting, PS3:Supporting

Mayo Clinic Laboratories, Mayo Clinic
Classification: Likely pathogenic. Last evaluated: 2025-09-04. Review status: criteria provided, single submitter. Criteria: ACMG Guidelines, 2015. Collection method: clinical testing. Allele origin: germline. Observed: 1 variant allele.
Comment: PP3_moderate, PM1, PM2_supporting, PS3_supporting, PS4_moderate

Labcorp Genetics (formerly Invitae), Labcorp
Classification: Pathogenic for Charcot-Marie-Tooth disease axonal type 2P. Last evaluated: 2025-02-27. Review status: criteria provided, single submitter. Criteria: Invitae Variant Classification Sherloc (09022015). Collection method: clinical testing. Allele origin: germline.
Comment: This sequence change replaces proline, which is neutral and non-polar, with leucine, which is neutral and non-polar, at codon 707 of the LRSAM1 protein (p.Pro707Leu). This variant is not present in population databases (gnomAD no frequency). This missense change has been observed in individuals with autosomal dominant Charcot-Marie-Tooth disease (PMID: 28335037, 32376792; internal data). ClinVar contains an entry for this variant (Variation ID: 208726). Invitae Evidence Modeling of protein sequence and biophysical properties (such as structural, functional, and spatial information, amino acid conservation, physicochemical variation, residue mobility, and thermodynamic stability) indicates that this missense variant is expected to disrupt LRSAM1 protein function with a positive predictive value of 80%. Experimental studies have shown that this missense change affects LRSAM1 function (PMID: 28335037). This variant disrupts the p.Pro707 amino acid residue in LRSAM1. Other variant(s) that disrupt this residue have been determined to be pathogenic (internal data). This suggests that this residue is clinically significant, and that variants that disrupt this residue are likely to be disease-causing. For these reasons, this variant has been classified as Pathogenic.

Neuberg Centre For Genomic Medicine, NCGM
Classification: Pathogenic for Charcot-Marie-Tooth disease axonal type 2P. Last evaluated: 2023-06-22. Review status: criteria provided, single submitter. Criteria: ACMG Guidelines, 2015. Collection method: clinical testing. Allele origin: germline. Inheritance: Autosomal dominant inheritance. Affected: yes.
Comment: The missense c.2120C>T (p.Pro707Leu) variant in the LRSAM1 gene has been reported previously in a heterozygous state in individuals affected with axonal Charcot-Marie-Tooth disease 2P. Experimental studies have shown that this missense change affects LRSAM1 function (Hakonen et al., 2017). Different amino acid change affecting codon 707 (p.Pro707Ser) is reported as a known pathogenic variant. The amino acid Pro at position 707 is changed to a Leu changing protein sequence and it might alter its composition and physico-chemical properties. This variant has been reported to the ClinVar database as Pathogenic/ Likely Pathogenic/ Uncertain significance. Multiple lines of computational evidence (Polyphen - Damaging, SIFT - Damaging and MutationTaster - Disease causing) predict a damaging effect on protein structure and function for this variant. The amino acid change p.Pro707Leu in LRSAM1 is predicted as conserved by GERP++ and PhyloP across 100 vertebrates. For these reasons, this variant has been classified as Pathogenic.

Institute of Human Genetics, University of Leipzig Medical Center
Classification: Likely pathogenic for Charcot-Marie-Tooth disease axonal type 2P. Last evaluated: 2017-05-15. Review status: criteria provided, single submitter. Criteria: ACMG Guidelines, 2015. Collection method: clinical testing. Allele origin: germline. Affected: yes. Observed: 1 variant allele.

Molecular Genetics Laboratory, London Health Sciences Centre
Classification: Likely pathogenic for Charcot-Marie-Tooth disease. Review status: criteria provided, single submitter. Criteria: ACMG Guidelines, 2015. Collection method: clinical testing. Allele origin: germline. Affected: yes.

Ambry Genetics
Classification: Uncertain significance for Inborn genetic diseases. Last evaluated: 2019-11-14. Review status: flagged submission. Criteria: Ambry Variant Classification Scheme 2023. Collection method: clinical testing. Allele origin: germline. Not counted in ClinVar's aggregate classification.
Comment: The p.P707L variant (also known as c.2120C>T), located in coding exon 24 of the LRSAM1 gene, results from a C to T substitution at nucleotide position 2120. The proline at codon 707 is replaced by leucine, an amino acid with similar properties. This variant has been reported in one patient with axonal neuropathy affecting both sensory and motor nerves and has been shown to result in an impaired function of the mutant protein (Hakonen JE et al. Hum. Mol. Genet., 2017 06;26:2034-2041). This amino acid position is highly conserved in available vertebrate species. In addition, this alteration is predicted to be deleterious by in silico analysis. Since supporting evidence is limited at this time, the clinical significance of this alteration remains unclear.
ClinVar note: Reason: Outlier claim with insufficient supporting evidence

Literature cited by the submitters: PubMed 28335037 (cited by 3 submitters); PubMed 29341362 (cited by Mayo Clinic Laboratories, Mayo Clinic); PubMed 32376792 (cited by Mayo Clinic Laboratories, Mayo Clinic and Labcorp Genetics (formerly Invitae), Labcorp); PubMed 33568173 (cited by Mayo Clinic Laboratories, Mayo Clinic); PubMed 35936615 (cited by Mayo Clinic Laboratories, Mayo Clinic); PubMed 38871447 (cited by Mayo Clinic Laboratories, Mayo Clinic).